The following is an entry in ClinVar:

ClinVar aggregate classification (germline): Likely benign (0 of 4 stars; one submission).

Conditions:
SLC4A4-related disorder. Also called: SLC4A4-related condition.

Allele frequency attached by ClinVar (database versions not stated): gnomAD 0.00019; TOPMed 0.00020; ExAC 0.00023; gnomAD exomes 0.00034; ESP Exome Variant Server 0.00042.
gnomAD v4.1: 522 of 1,613,640 alleles (0.032%); highest among the groups gnomAD compares: South Asian, 0.067%; 1 homozygote.

Submission:

PreventionGenetics, part of Exact Sciences
Classification: Likely benign for SLC4A4-related condition. Last evaluated: 2019-11-12. Review status: no assertion criteria provided. Collection method: clinical testing. Allele origin: germline.
Comment: This variant is classified as likely benign based on ACMG/AMP sequence variant interpretation guidelines (Richards et al. 2015 PMID: 25741868, with internal and published modifications).

NM_001098484.3(SLC4A4):c.69A>G (p.Val23=)

Gene: SLC4A4 (solute carrier family 4 member 4; plus strand). Cytogenetic location: 4q13.3.
Variant type: single nucleotide variant.
Coding change: c.69A>G on transcript NM_001098484.3 (MANE Select); coding-DNA position 69, A replaced by G.
Protein change: p.Val23=; no amino-acid change (valine 23 retained).
Molecular consequence: synonymous variant.
Genome position (GRCh38, 1-based): chr4:71,236,645, A>G. VCF-style: chr4-71236645-A-G. GRCh37 (hg19) VCF-style: chr4-72102362-A-G.
Other names: c.69A>G, p.Val23= (NM_001134742.2).
Identifiers: ClinVar variation 3046244 (VCV003046244.2), dbSNP rs199843215, ClinGen allele CA2954454.
Genomic context (GRCh38, chr4:71,236,645, plus strand): 5'-TGAAGCTGTCCTGGACAGAGGGGCTTCCTTCCTCAAGCATGTGTGTGATGAAGAAGAAGT[A>G]GAAGGTGAGCTTTATGGGTCTGGGAAAGTGTCTGTTGACATACATATGTCTCTATAGATA-3'
Protein context (NP_001091954.1, residues 13-33): FLKHVCDEEE[Val23=]EGHHTIYIGV